The following is an entry in ClinVar:

ClinVar aggregate classification (germline): Conflicting classifications of pathogenicity. Review status: criteria provided, conflicting classifications (1 of 4 stars). 3 submissions from 3 submitters: Likely pathogenic (2); Uncertain significance (1). Last evaluated 2025-10-31.

Conditions:
Mitochondrial short-chain Enoyl-Coa hydratase 1 deficiency. Also called: PxMD-ECHS1; ECHS1 deficiency; Mitochondrial Short-Chain Enoyl-CoA Hydratase Deficiency. Identifiers: Orphanet 255241, Orphanet 653880, MedGen C4225391, MONDO:0014563, OMIM 616277.

Allele frequency attached by ClinVar (database versions not stated): gnomAD 0.00001; gnomAD exomes 0.00001 and 0.00002; TOPMed 0.00002; ExAC 0.00003.
gnomAD v4.1: 11 of 1,612,354 alleles (0.00068%); highest among the groups gnomAD compares: South Asian, 0.0022%; no homozygotes.

Submissions (3):

Dasa
Classification: Uncertain significance. Last evaluated: 2025-10-31. Review status: criteria provided, single submitter. Criteria: DASA Assertion Criteria. Collection method: clinical testing. Allele origin: germline.
Comment: NM_004092.4(ECHS1):c.541C>T (p.Arg181Cys) is a missense variant that results in the substitution of arginine with cysteine. The affected residue or protein region has prior evidence supporting clinical relevance. The variant is present at low frequency in population datasets. Based on the available data, this variant is classified as variant of uncertain significance.

CeGaT Center for Human Genetics Tuebingen
Classification: Likely pathogenic. Last evaluated: 2024-03-01. Review status: criteria provided, single submitter. Criteria: CeGaT Center For Human Genetics Tuebingen Variant Classification Criteria Version 2. Collection method: clinical testing. Allele origin: germline. Affected: yes. Observed: 1 variant allele.
Comment: ECHS1: PM2, PM3, PM5, PP3

Victorian Clinical Genetics Services, Murdoch Childrens Research Institute
Classification: Likely pathogenic for Mitochondrial short-chain Enoyl-Coa hydratase 1 deficiency. Last evaluated: 2017-05-05. Review status: criteria provided, single submitter. Criteria: ACMG Guidelines, 2015. Collection method: clinical testing. Allele origin: inherited. Inheritance: Autosomal recessive inheritance. Affected: yes. Observed: 1 variant allele.
Comment: The NM_004092.3(ECHS1):c.541C>T missense variant is in exon 5 of the ECHS1 gene (chr10:135180471). This substitution is predicted to create a change of an arginine to a cysteine at amino acid position 181, NP_004083.3(ECHS1):p.(Arg181Cys), which is considered significant. The arginine at this position has high conservation and therefore Grantham assessment (A-GVGD) is likely pathogenic. In silico software predicts this variant to be disease causing. It is situated within a known functional region (conserved trimeric quaternary structure which contains the catalytic core). This variant has not been previously observed in our patient cohort and has not been previously reported, but it has been observed in a population database at a frequency of 0.001% (ExAC). The variant is present in trans with a likely pathogenic ECHS1 variant, and additional biochemical evaluation is consistent with ECHS1 deficiency. Based on current information and biochemical evidence, this variant has been classified as LIKELY PATHOGENIC.

NM_004092.4(ECHS1):c.541C>T (p.Arg181Cys)

Gene: ECHS1 (enoyl-CoA hydratase, short chain 1; minus strand). Cytogenetic location: 10q26.3.
Variant type: single nucleotide variant.
Coding change: c.541C>T on transcript NM_004092.4 (MANE Select); coding-DNA position 541, C replaced by T.
Protein change: p.Arg181Cys; replaces arginine 181 with cysteine.
Molecular consequence: missense variant.
Genome position (GRCh38, 1-based): chr10:133,366,967, G>A on the plus strand (C>T on the coding strand, the complement: ECHS1 is on the minus strand). VCF-style: chr10-133366967-G-A. GRCh37 (hg19) VCF-style: chr10-135180471-G-A.
Other names: short protein forms R181C.
Identifiers: ClinVar variation 488384 (VCV000488384.25), dbSNP rs754609693, ClinGen allele CA5765728.